The following is an entry in ClinVar:

ClinVar aggregate classification (germline): Uncertain significance. Review status: criteria provided, multiple submitters, no conflicts (2 of 4 stars). 3 submissions from 3 submitters: Uncertain significance (3). Last evaluated 2022-03-15.

Conditions:
Alternating hemiplegia of childhood 2 (AHC2). Also called: Alternating Hemiplegia of Childhood (AHC). Identifiers: Orphanet 2131, MedGen C3553788, MONDO:0013900, OMIM 614820.

Allele frequency attached by ClinVar (database versions not stated): TOPMed below 0.00001; gnomAD exomes below 0.00001; gnomAD 0.00001.

Submissions (3):

AiLife Diagnostics
Classification: Uncertain significance. Last evaluated: 2022-03-15. Review status: criteria provided, single submitter. Criteria: ACMG Guidelines, 2015. Collection method: clinical testing. Allele origin: germline. Affected: yes. Observed: 1 variant allele.

GeneDx
Classification: Uncertain significance. Last evaluated: 2019-08-15. Review status: criteria provided, single submitter. Criteria: GeneDx Variant Classification Process June 2021. Collection method: clinical testing. Allele origin: germline. Affected: yes.
Comment: Not observed in large population cohorts (Lek et al., 2016); In silico analysis, which includes protein predictors and evolutionary conservation, supports a deleterious effect; Has not been previously published as pathogenic or benign to our knowledge

Neuberg Centre For Genomic Medicine, NCGM
Classification: Uncertain significance for Alternating hemiplegia of childhood 2. Review status: criteria provided, single submitter. Criteria: ACMG Guidelines, 2015. Collection method: clinical testing. Allele origin: germline. Inheritance: Autosomal dominant inheritance. Affected: yes.
Comment: The missense variant c.815G>A (p.Arg272His) in ATP1A3 gene has not been reported previously as a pathogenic variant nor as a benign variant, to our knowledge. The p.Arg272His variant is novel (not in any individuals) in gnomAD Exomes and 1000 Genomes.The amino acid Arg at position 272 is changed to a His changing protein sequence and it might alter its composition and physico-chemical properties. The variant is predicted to be damaging by both SIFT and PolyPhen2. The residue is conserved across species. The amino acid change p.Arg272His in ATP1A3 is predicted as conserved by GERP++ and PhyloP across 100 vertebrates. For these reasons, this variant has been classified as Uncertain Significance .

NM_152296.5(ATP1A3):c.776G>A (p.Arg259His)

Gene: ATP1A3 (ATPase Na+/K+ transporting subunit alpha 3; minus strand). Cytogenetic location: 19q13.2.
Variant type: single nucleotide variant.
Coding change: c.776G>A on transcript NM_152296.5 (MANE Select); coding-DNA position 776, G replaced by A.
Protein change: p.Arg259His; replaces arginine 259 with histidine.
Molecular consequence: missense variant.
Genome position (GRCh38, 1-based): chr19:41,985,135, C>T on the plus strand (G>A on the coding strand, the complement: ATP1A3 is on the minus strand). VCF-style: chr19-41985135-C-T. GRCh37 (hg19) VCF-style: chr19-42489287-C-T.
Other names: c.809G>A, p.Arg270His (NM_001256213.2); c.815G>A, p.Arg272His (NM_001256214.2); short protein forms R259H, R270H, R272H.
Identifiers: ClinVar variation 1307922 (VCV001307922.3), dbSNP rs1599722721, ClinGen allele CA406053185.